The following is an entry in ClinVar:

ClinVar aggregate classification (germline): Uncertain significance. Review status: criteria provided, multiple submitters, no conflicts (2 of 4 stars). 2 submissions from 2 submitters: Uncertain significance (2). Last evaluated 2024-12-19.

Conditions:
Inborn genetic diseases. Identifiers: MedGen C0950123, MeSH D030342.

Submissions (2):

Labcorp Genetics (formerly Invitae), Labcorp
Classification: Uncertain significance. Last evaluated: 2024-12-19. Review status: criteria provided, single submitter. Criteria: Invitae Variant Classification Sherloc (09022015). Collection method: clinical testing. Allele origin: germline.
Comment: This sequence change replaces valine, which is neutral and non-polar, with leucine, which is neutral and non-polar, at codon 717 of the POLR1A protein (p.Val717Leu). This variant is not present in population databases (gnomAD no frequency). This variant has not been reported in the literature in individuals affected with POLR1A-related conditions. ClinVar contains an entry for this variant (Variation ID: 2791210). Invitae Evidence Modeling of protein sequence and biophysical properties (such as structural, functional, and spatial information, amino acid conservation, physicochemical variation, residue mobility, and thermodynamic stability) indicates that this missense variant is not expected to disrupt POLR1A protein function with a negative predictive value of 80%. In summary, the available evidence is currently insufficient to determine the role of this variant in disease. Therefore, it has been classified as a Variant of Uncertain Significance.

Ambry Genetics
Classification: Uncertain significance for Inborn genetic diseases. Last evaluated: 2024-09-03. Review status: criteria provided, single submitter. Criteria: Ambry Variant Classification Scheme 2023. Collection method: clinical testing. Allele origin: germline.

NM_015425.6(POLR1A):c.2149G>T (p.Val717Leu)

Gene: POLR1A (RNA polymerase I subunit A; minus strand). Cytogenetic location: 2p11.2.
Variant type: single nucleotide variant.
Coding change: c.2149G>T on transcript NM_015425.6 (MANE Select); coding-DNA position 2149, G replaced by T.
Protein change: p.Val717Leu; replaces valine 717 with leucine.
Molecular consequence: missense variant.
Genome position (GRCh38, 1-based): chr2:86,054,199, C>A on the plus strand (G>T on the coding strand, the complement: POLR1A is on the minus strand). VCF-style: chr2-86054199-C-A. GRCh37 (hg19) VCF-style: chr2-86281322-C-A.
Other names: c.2149G>T (NM_015425.3); short protein forms V717L.
Identifiers: ClinVar variation 2791210 (VCV002791210.4), dbSNP rs2466375394, ClinGen allele CA347543488.